The following is an entry in ClinVar:

ClinVar aggregate classification (germline): Pathogenic/Likely pathogenic. Review status: criteria provided, multiple submitters, no conflicts (2 of 4 stars). 3 submissions from 3 submitters: Pathogenic (2); Likely pathogenic (1). Last evaluated 2022-09-01.

Conditions:
Autosomal recessive nonsyndromic hearing loss 3. Also called: NEUROSENSORY NONSYNDROMIC RECESSIVE DEAFNESS 3. Identifiers: Orphanet 90636, MedGen C1838263, MONDO:0010860, OMIM 600316.

Allele frequency attached by ClinVar (database versions not stated): gnomAD exomes below 0.00001.

Submissions (3):

3billion
Classification: Pathogenic for Autosomal recessive nonsyndromic hearing loss 3. Last evaluated: 2022-09-01. Review status: criteria provided, single submitter. Criteria: ACMG Guidelines, 2015. Collection method: clinical testing. Allele origin: germline. Affected: yes. Observed: 1 heterozygote.
Comment: The variant is not observed in the gnomAD v2.1.1 dataset. Frameshift variant is predicted to result in a loss or disruption of normal protein function through nonsense-mediated decay (NMD) or protein truncation. Multiple pathogenic variants are reported downstream of the variant. The variant has been reported to be associated with MYO15A-related disorder (3billion dataset). Therefore, this variant is classified as Pathogenic according to the recommendation of ACMG/AMP guideline.

Juno Genomics, Hangzhou Juno Genomics, Inc
Classification: Likely pathogenic for Autosomal recessive nonsyndromic hearing loss 3. Review status: criteria provided, single submitter. Criteria: ACMG Guidelines, 2015. Collection method: clinical testing. Allele origin: germline. Affected: yes.
Comment: Null variant in a gene where loss of function (LOF) is a known mechanism of disease.;Absent from controls (or at extremely low frequency if recessive) in Genome Aggregation Database, Exome Sequencing Project, 1000 Genomes Project, or Exome Aggregation Consortium.

Molecular Diagnosis Center for Deafness
Classification: Pathogenic for Autosomal recessive nonsyndromic hearing loss 3. Review status: criteria provided, single submitter. Criteria: ClinGen HL ACMG Specifications v1. Collection method: clinical testing. Allele origin: maternal. Observed: 1 variant allele.

NM_016239.4(MYO15A):c.900del (p.Pro301fs)

Gene: MYO15A (myosin XVA; plus strand). Cytogenetic location: 17p11.2.
Variant type: Deletion.
Coding change: c.900del on transcript NM_016239.4 (MANE Select); coding-DNA position 900, one base deleted (T; older notation c.900delT).
Protein change: p.Pro301fs; shifts the reading frame from proline 301.
Molecular consequence: frameshift variant.
Genome position (GRCh38, 1-based): chr17:18,119,700, T deleted. VCF-style (leftmost placement, unchanged base first): chr17-18119699-AT-A. GRCh37 (hg19) VCF-style: chr17-18023013-AT-A.
Other names: c.900delT (NM_016239.4); short protein forms P301fs.
Identifiers: ClinVar variation 1301975 (VCV001301975.4), dbSNP rs2142242418, ClinGen allele CA2573153128.